The following is an entry in ClinVar:

ClinVar aggregate classification (germline): Uncertain significance (1 of 4 stars; one submission).

Submission:

Ambry Genetics
Classification: Uncertain significance. Last evaluated: 2021-03-15. Review status: criteria provided, single submitter. Criteria: Ambry Variant Classification Scheme 2023. Collection method: clinical testing. Allele origin: germline.
Comment: The p.N162S variant (also known as c.485A>G), located in coding exon 4 of the RECQL gene, results from an A to G substitution at nucleotide position 485. The asparagine at codon 162 is replaced by serine, an amino acid with highly similar properties. This amino acid position is highly conserved in available vertebrate species. In addition, this alteration is predicted to be tolerated by in silico analysis. Since supporting evidence is limited at this time, the clinical significance of this alteration remains unclear.

NM_002907.4(RECQL):c.485A>G (p.Asn162Ser)

Gene: RECQL (RecQ like helicase; minus strand). Cytogenetic location: 12p12.1.
Variant type: single nucleotide variant.
Coding change: c.485A>G on transcript NM_002907.4 (MANE Select); coding-DNA position 485, A replaced by G.
Protein change: p.Asn162Ser; replaces asparagine 162 with serine.
Molecular consequence: missense variant.
Genome position (GRCh38, 1-based): chr12:21,486,495, T>C on the plus strand (A>G on the coding strand, the complement: RECQL is on the minus strand). VCF-style: chr12-21486495-T-C. GRCh37 (hg19) VCF-style: chr12-21639429-T-C.
Other names: c.485A>G, p.Asn162Ser (NM_032941.3); short protein forms N162S.
Identifiers: ClinVar variation 1743615 (VCV001743615.2), dbSNP rs1943298909, ClinGen allele CA384129894.